The following is an entry in ClinVar:

NM_000257.4(MYH7):c.2853A>G (p.Lys951=)

Gene: MYH7 (myosin heavy chain 7; minus strand). Cytogenetic location: 14q11.2.
Variant type: single nucleotide variant.
Coding change: c.2853A>G on transcript NM_000257.4 (MANE Select); coding-DNA position 2853, A replaced by G.
Protein change: p.Lys951=; no amino-acid change (lysine 951 retained).
Molecular consequence: synonymous variant.
Genome position (GRCh38, 1-based): chr14:23,423,976, T>C on the plus strand (A>G on the coding strand, the complement: MYH7 is on the minus strand). VCF-style: chr14-23423976-T-C. GRCh37 (hg19) VCF-style: chr14-23893185-T-C.
Other names: c.2853A>G, p.Lys951= (NM_001407004.1).
Identifiers: ClinVar variation 2165585 (VCV002165585.4), dbSNP rs1351150597, ClinGen allele CA485766859.

ClinVar aggregate classification (germline): Likely benign. Review status: criteria provided, multiple submitters, no conflicts (2 of 4 stars). 2 submissions from 2 submitters: Likely benign (2). Last evaluated 2023-08-15.

Conditions:
Cardiomyopathy (CMYO). Also called: Cardiomyopathies. Identifiers: Orphanet 167848, MedGen C0878544, MONDO:0004994, HP:0001638. Inheritance: Various modes of inheritance.
Hypertrophic cardiomyopathy. Also called: HYPERTROPHIC MYOCARDIOPATHY. Identifiers: Orphanet 217569, MedGen C0007194, MeSH D002312, MONDO:0005045, HP:0001639.

Allele frequency attached by ClinVar (database versions not stated): gnomAD exomes below 0.00001.
gnomAD v4.1: 1 of 1,614,244 alleles (0.000062%); highest among the groups gnomAD compares: Non-Finnish European, 0.000085%; no homozygotes.

Submissions (2):

All of Us Research Program, National Institutes of Health
Classification: Likely benign for Cardiomyopathy. Last evaluated: 2023-08-15. Review status: criteria provided, single submitter. Criteria: ACMG Guidelines, 2015. Collection method: clinical testing. Allele origin: germline. Inheritance: Autosomal dominant inheritance. Observed: 1 variant allele, 1 heterozygote.
Comment: This study involves interpretation of variants in research participants for the purpose of population health screening. Participant phenotype was not available at the time of variant classification. Additional details can be found in publication PMID: 35346344, PMCID: PMC8962531

Labcorp Genetics (formerly Invitae), Labcorp
Classification: Likely benign for Hypertrophic cardiomyopathy. Last evaluated: 2022-08-19. Review status: criteria provided, single submitter. Criteria: Invitae Variant Classification Sherloc (09022015). Collection method: clinical testing. Allele origin: germline.